The following is an entry in ClinVar:

ClinVar aggregate classification (germline): Uncertain significance. Review status: criteria provided, multiple submitters, no conflicts (2 of 4 stars). 3 submissions from 3 submitters: Uncertain significance (3). Last evaluated 2023-10-29.

Conditions:
RASopathy. Also called: rasopathies; Noonan spectrum disorder. Identifiers: Orphanet 536391, MedGen C5555857, MONDO:0021060.

Allele frequency attached by ClinVar (database versions not stated): TOPMed below 0.00001; gnomAD 0.00001; gnomAD exomes 0.00001.
gnomAD v4.1: 5 of 1,614,068 alleles (0.00031%); highest among the groups gnomAD compares: Non-Finnish European, 0.00042%; no homozygotes.

Submissions (3):

Labcorp Genetics (formerly Invitae), Labcorp
Classification: Uncertain significance for RASopathy. Last evaluated: 2023-10-29. Review status: criteria provided, single submitter. Criteria: Invitae Variant Classification Sherloc (09022015). Collection method: clinical testing. Allele origin: germline.
Comment: This sequence change replaces serine, which is neutral and polar, with tyrosine, which is neutral and polar, at codon 122 of the BRAF protein (p.Ser122Tyr). This variant is not present in population databases (gnomAD no frequency). This variant has not been reported in the literature in individuals affected with BRAF-related conditions. ClinVar contains an entry for this variant (Variation ID: 40341). Advanced modeling of protein sequence and biophysical properties (such as structural, functional, and spatial information, amino acid conservation, physicochemical variation, residue mobility, and thermodynamic stability) performed at Invitae indicates that this missense variant is not expected to disrupt BRAF protein function with a negative predictive value of 95%. In summary, the available evidence is currently insufficient to determine the role of this variant in disease. Therefore, it has been classified as a Variant of Uncertain Significance.

Blueprint Genetics
Classification: Uncertain significance. Last evaluated: 2023-10-27. Review status: criteria provided, single submitter. Criteria: ACMG Guidelines, 2015. Collection method: clinical testing. Allele origin: germline.

GeneDx
Classification: Uncertain significance. Last evaluated: 2014-05-15. Review status: criteria provided, single submitter. Criteria: GeneDx Variant Classification (06012015). Collection method: clinical testing. Allele origin: germline. Affected: yes.
Comment: The S122Y variant has not been published as a mutation, nor has it been reported as a benign polymorphism to our knowledge. The S122Y variant was not observed in approximately 6,500 individuals of European and African American ancestry in the NHLBI Exome Sequencing Project, indicating it is not a common benign variant in these populations. In addition, this substitution occurs at a position that is highly conserved across species. Moreover, in silico analysis predicts this variant is possibly damaging to the protein structure/function. Nevertheless, the S122Y variant is a conservative amino acid substitution, which is not likely to impact secondary protein structure as these residues share similar properties. Furthermore, no missense mutations in nearby residues have been reported in association with CFC syndrome, indicating this region of the protein may be tolerant of change. The variant is found in CARDIOMYOPATHY panel(s).

NM_004333.6(BRAF):c.365C>A (p.Ser122Tyr)

Gene: BRAF (B-Raf proto-oncogene, serine/threonine kinase; minus strand). Cytogenetic location: 7q34.
Variant type: single nucleotide variant.
Coding change: c.365C>A on transcript NM_004333.6 (MANE Select); coding-DNA position 365, C replaced by A.
Protein change: p.Ser122Tyr; replaces serine 122 with tyrosine.
Molecular consequence: missense variant. On other transcripts: intron variant (1).
Genome position (GRCh38, 1-based): chr7:140,834,748, G>T on the plus strand (C>A on the coding strand, the complement: BRAF is on the minus strand). VCF-style: chr7-140834748-G-T. GRCh37 (hg19) VCF-style: chr7-140534548-G-T.
Other names: p.S122Y:TCT>TAT; c.365C>A, p.Ser122Tyr (NM_001354609.2, NM_001374244.1, NM_001374258.1 and 5 more transcripts); c.263C>A, p.Ser88Tyr (NM_001378470.1); c.209C>A, p.Ser70Tyr (NM_001378472.1, NM_001378473.1); c.240+15363C>A (NM_001378475.1); short protein forms S122Y, S70Y, S88Y.
Identifiers: ClinVar variation 40341 (VCV000040341.6), dbSNP rs397507462, ClinGen allele CA281942.